The following is an entry in ClinVar:

NM_000448.3(RAG1):c.1361T>A (p.Leu454Gln)

Gene: RAG1 (recombination activating 1; plus strand). Cytogenetic location: 11p12.
Variant type: single nucleotide variant.
Coding change: c.1361T>A on transcript NM_000448.3 (MANE Select); coding-DNA position 1361, T replaced by A.
Protein change: p.Leu454Gln; replaces leucine 454 with glutamine.
Molecular consequence: missense variant.
Genome position (GRCh38, 1-based): chr11:36,574,665, T>A. VCF-style: chr11-36574665-T-A. GRCh37 (hg19) VCF-style: chr11-36596215-T-A.
Other names: c.1361T>A, p.Leu454Gln (NM_001377277.1, NM_001377278.1, NM_001377279.1 and 1 more transcripts); short protein forms L454Q.
Identifiers: ClinVar variation 68682 (VCV000068682.11), dbSNP rs199474677, ClinGen allele CA219803.

ClinVar aggregate classification (germline): Pathogenic/Likely pathogenic. Review status: criteria provided, multiple submitters, no conflicts (2 of 4 stars). 5 submissions from 5 submitters: Pathogenic (1); Likely pathogenic (3). 1 of the submissions does not count toward it. Last evaluated 2026-08-25.

Conditions:
RAG1-related disorder. Also called: RAG1-related condition; RAG1-related disorders.
Combined immunodeficiency with skin granulomas. Identifiers: Orphanet 157949, MedGen C2673536, MONDO:0009306, OMIM 233650.
Severe combined immunodeficiency, autosomal recessive, T cell-negative, B cell-negative, NK cell-positive. Also called: SCID, AR, T-cell negative, B-cell negative, NK cell-positive; SCID, T CELL-NEGATIVE, B CELL-NEGATIVE, NK CELL-POSITIVE; Severe combined immunodeficiency due to complete RAG1/2 deficiency. Identifiers: Orphanet 331206, MedGen C1832322, MONDO:0011086, OMIM 601457.

Submissions (5):

PreventionGenetics, part of Exact Sciences
Classification: Pathogenic for RAG1-related condition. Last evaluated: 2026-08-25. Review status: criteria provided, single submitter. Criteria: ACMG Guidelines, 2015. Collection method: clinical testing. Allele origin: germline.
Comment: The RAG1 c.1361T>A variant is predicted to result in the amino acid substitution p.Leu454Gln. This variant was reported in three individuals with Omenn syndrome and/or severe combined immunodeficiency syndrome (Table 2, Dalal et al. 2011. PubMed ID: 21624848; Table 1, Lee et al. 2013. PubMed ID: 24290284; Table 1, Cifaldi et al. 2021. PubMed ID: 34664192). In vitro experimental studies show this variant impacts RAG1 function (Figure 2, Lee et al. 2013. PubMed ID: 24290284). This variant has not been reported in a large population database (gnomAD), indicating this variant is rare. This variant is interpreted as pathogenic.

GeneDx
Classification: Likely pathogenic. Last evaluated: 2026-02-20. Review status: criteria provided, single submitter. Criteria: GeneDx Variant Classification Process June 2021. Collection method: clinical testing. Allele origin: germline.
Comment: Published functional studies suggest a damaging effect on recombination activity (PMID: 24290284); Not observed at significant frequency in large population cohorts (gnomAD); In silico analysis supports that this missense variant has a deleterious effect on protein structure/function; This variant is associated with the following publications: (PMID: 21624848, 29051008, 34664192, 15242397, 19396172, 35487367, 24290284, 26996199, 27825771, 11971977, 32311393)

Revvity Omics, Revvity
Classification: Likely pathogenic. Last evaluated: 2025-06-05. Review status: criteria provided, single submitter. Criteria: ACMG Guidelines, 2015. Collection method: clinical testing. Allele origin: germline.

Labcorp Genetics (formerly Invitae), Labcorp
Classification: Likely pathogenic for Combined immunodeficiency with skin granulomas; Severe combined immunodeficiency, autosomal recessive, T cell-negative, B cell-negative, NK cell-positive. Last evaluated: 2023-12-04. Review status: criteria provided, single submitter. Criteria: Invitae Variant Classification Sherloc (09022015). Collection method: clinical testing. Allele origin: germline.
Comment: This sequence change replaces leucine, which is neutral and non-polar, with glutamine, which is neutral and polar, at codon 454 of the RAG1 protein (p.Leu454Gln). This variant is not present in population databases (gnomAD no frequency). This missense change has been observed in individual(s) with Omenn syndrome and/or severe combined immunodeficiency (PMID: 21624848, 34664192). ClinVar contains an entry for this variant (Variation ID: 68682). Advanced modeling of protein sequence and biophysical properties (such as structural, functional, and spatial information, amino acid conservation, physicochemical variation, residue mobility, and thermodynamic stability) has been performed at Invitae for this missense variant, however the output from this modeling did not meet the statistical confidence thresholds required to predict the impact of this variant on RAG1 protein function. Experimental studies have shown that this missense change affects RAG1 function (PMID: 24290284). In summary, the currently available evidence indicates that the variant is pathogenic, but additional data are needed to prove that conclusively. Therefore, this variant has been classified as Likely Pathogenic.

UniProtKB/Swiss-Prot
No classification provided. Review status: no classification provided. Collection method: not provided. Allele origin: not provided. Not counted in ClinVar's aggregate classification.

Literature cited by the submitters: PubMed 21624848 (cited by Labcorp Genetics (formerly Invitae), Labcorp); PubMed 34664192 (cited by Labcorp Genetics (formerly Invitae), Labcorp); PubMed 24290284 (cited by Labcorp Genetics (formerly Invitae), Labcorp).